The following is an entry in ClinVar:

NM_006904.7(PRKDC):c.1259T>C (p.Val420Ala)

Gene: PRKDC (protein kinase, DNA-activated, catalytic subunit; minus strand). Cytogenetic location: 8q11.21.
Variant type: single nucleotide variant.
Coding change: c.1259T>C on transcript NM_006904.7 (MANE Select); coding-DNA position 1259, T replaced by C.
Protein change: p.Val420Ala; replaces valine 420 with alanine.
Molecular consequence: missense variant.
Genome position (GRCh38, 1-based): chr8:47,936,372, A>G on the plus strand (T>C on the coding strand, the complement: PRKDC is on the minus strand). VCF-style: chr8-47936372-A-G. GRCh37 (hg19) VCF-style: chr8-48848932-A-G.
Other names: c.1259T>C, p.Val420Ala (NM_001081640.2); short protein forms V420A.
Identifiers: ClinVar variation 2449828 (VCV002449828.2), dbSNP rs2090351774, ClinGen allele CA371166077.

ClinVar aggregate classification (germline): Uncertain significance (1 of 4 stars; one submission).

Allele frequency attached by ClinVar (database versions not stated): gnomAD 0.00001.
gnomAD v4.1: 1 of 1,612,650 alleles (0.000062%); no homozygotes.

Submission:

Ambry Genetics
Classification: Uncertain significance. Last evaluated: 2022-11-30. Review status: criteria provided, single submitter. Criteria: Ambry Variant Classification Scheme 2023. Collection method: clinical testing. Allele origin: germline.
Comment: The p.V420A variant (also known as c.1259T>C), located in coding exon 12 of the PRKDC gene, results from a T to C substitution at nucleotide position 1259. The valine at codon 420 is replaced by alanine, an amino acid with similar properties. This amino acid position is conserved. In addition, the in silico prediction for this alteration is inconclusive. Since supporting evidence is limited at this time, the clinical significance of this alteration remains unclear.